The following is an entry in ClinVar:

NM_000742.4(CHRNA2):c.1052A>G (p.Asn351Ser)

Gene: CHRNA2 (cholinergic receptor nicotinic alpha 2 subunit; minus strand). Cytogenetic location: 8p21.2.
Variant type: single nucleotide variant.
Coding change: c.1052A>G on transcript NM_000742.4 (MANE Select); coding-DNA position 1052, A replaced by G.
Protein change: p.Asn351Ser; replaces asparagine 351 with serine.
Molecular consequence: missense variant.
Genome position (GRCh38, 1-based): chr8:27,463,391, T>C on the plus strand (A>G on the coding strand, the complement: CHRNA2 is on the minus strand). VCF-style: chr8-27463391-T-C. GRCh37 (hg19) VCF-style: chr8-27320908-T-C.
Other names: c.1007A>G, p.Asn336Ser (NM_001282455.2); c.575A>G, p.Asn192Ser (NM_001347705.2, NM_001347706.2); c.458A>G, p.Asn153Ser (NM_001347707.2, NM_001347708.2); short protein forms N351S, N153S, N336S, N192S.
Identifiers: ClinVar variation 575518 (VCV000575518.14), dbSNP rs770305730, ClinGen allele CA4689542.

ClinVar aggregate classification (germline): Uncertain significance. Review status: criteria provided, multiple submitters, no conflicts (2 of 4 stars). 4 submissions from 4 submitters: Uncertain significance (4). Last evaluated 2025-06-29.

Conditions:
Familial sleep-related hypermotor epilepsy. Also called: Autosomal Dominant Sleep-Related Hypermotor (Hyperkinetic) Epilepsy. Identifiers: Orphanet 98784, MedGen C3696898, MONDO:0000030.
Autosomal dominant nocturnal frontal lobe epilepsy 4. Also called: EPILEPSY, FAMILIAL, WITH NOCTURNAL WANDERING AND ICTAL FEAR; CHRNA2-Related Nocturnal Frontal Lobe Epilepsy, Autosomal Dominant. Identifiers: Orphanet 98784, MedGen C1835905, MONDO:0012474, OMIM 610353.
Inborn genetic diseases. Identifiers: MedGen C0950123, MeSH D030342.

Allele frequency attached by ClinVar (database versions not stated): gnomAD 0.00003 and 0.00002; ExAC 0.00002; TOPMed 0.00003; gnomAD exomes 0.00002.

Submissions (4):

Labcorp Genetics (formerly Invitae), Labcorp
Classification: Uncertain significance. Last evaluated: 2025-06-29. Review status: criteria provided, single submitter. Criteria: Invitae Variant Classification Sherloc (09022015). Collection method: clinical testing. Allele origin: germline.
Comment: This sequence change replaces asparagine, which is neutral and polar, with serine, which is neutral and polar, at codon 351 of the CHRNA2 protein (p.Asn351Ser). This variant is present in population databases (rs770305730, gnomAD 0.01%). This variant has not been reported in the literature in individuals affected with CHRNA2-related conditions. This missense change has been observed in at least one individual who was not affected with CHRNA2-related conditions (internal data). ClinVar contains an entry for this variant (Variation ID: 575518). Invitae Evidence Modeling of protein sequence and biophysical properties (such as structural, functional, and spatial information, amino acid conservation, physicochemical variation, residue mobility, and thermodynamic stability) indicates that this missense variant is expected to disrupt CHRNA2 protein function with a positive predictive value of 80%. In summary, the available evidence is currently insufficient to determine the role of this variant in disease. Therefore, it has been classified as a Variant of Uncertain Significance.

Ambry Genetics
Classification: Uncertain significance for Inborn genetic diseases. Last evaluated: 2024-05-29. Review status: criteria provided, single submitter. Criteria: Ambry Variant Classification Scheme 2023. Collection method: clinical testing. Allele origin: germline.

GeneDx
Classification: Uncertain significance. Last evaluated: 2022-10-11. Review status: criteria provided, single submitter. Criteria: GeneDx Variant Classification Process June 2021. Collection method: clinical testing. Allele origin: germline. Affected: yes.
Comment: In silico analysis supports that this missense variant has a deleterious effect on protein structure/function; Has not been previously published as pathogenic or benign to our knowledge

New York Genome Center
Classification: Uncertain significance for Autosomal dominant nocturnal frontal lobe epilepsy 4. Last evaluated: 2021-08-06. Review status: criteria provided, single submitter. Criteria: NYGC Assertion Criteria 2020. Collection method: clinical testing. Allele origin: inherited. Observed: 1 heterozygote. Study: CSER-NYCKidSeq.
Comment: The inherited missense variant c.1052A>G, p.Asn351Ser in the CHRNA2 gene has not been reported in the available literature.The variant has a 0.003% allele frequency in the gnomAD database (5 out of 151,998 heterozygous alleles), suggesting it is not a common benign variant in the populations represented in this database. In silico analysis support a deleterious effect on the gene or gene product. The variant resides at the Neurotransmitter-gated ion-channel transmembrane region domain. Based on the available evidence, the c.1052A>G, p.Asn351Ser missense variant in the CHRNA2 gene is classified as a variant of uncertain significance.